The following is an entry in ClinVar:

NM_002691.4(POLD1):c.500A>G (p.Glu167Gly)

Gene: POLD1 (DNA polymerase delta 1, catalytic subunit; plus strand). Cytogenetic location: 19q13.33.
Variant type: single nucleotide variant.
Coding change: c.500A>G on transcript NM_002691.4 (MANE Select); coding-DNA position 500, A replaced by G.
Protein change: p.Glu167Gly; replaces glutamic acid 167 with glycine.
Molecular consequence: missense variant. On other transcripts: non-coding transcript variant (1).
Genome position (GRCh38, 1-based): chr19:50,402,035, A>G. VCF-style: chr19-50402035-A-G. GRCh37 (hg19) VCF-style: chr19-50905292-A-G.
Other names: c.500A>G (NM_002691.2); c.500A>G, p.Glu167Gly (NM_001256849.1, NM_001308632.1); short protein forms E167G.
Identifiers: ClinVar variation 2132970 (VCV002132970.6), dbSNP rs2122238133, ClinGen allele CA406973041.

ClinVar aggregate classification (germline): Uncertain significance. Review status: criteria provided, multiple submitters, no conflicts (2 of 4 stars). 2 submissions from 2 submitters: Uncertain significance (2). Last evaluated 2023-03-20.

Conditions:
POLD1-related polyposis and colorectal cancer syndrome (CRCS10). Also called: Colorectal cancer 10; COLORECTAL CANCER, SUSCEPTIBILITY TO, ON CHROMOSOME 19q; Colorectal cancer, susceptibility to, 10. Identifiers: Orphanet 220460, MedGen C2675481, MONDO:0012953, OMIM 612591.
Hereditary cancer-predisposing syndrome. Also called: Tumor predisposition; Neoplastic Syndromes, Hereditary; Hereditary Cancer Syndrome; Hereditary neoplastic syndrome. Identifiers: Orphanet 140162, MedGen C0027672, MeSH D009386, MONDO:0015356.

Submissions (2):

Ambry Genetics
Classification: Uncertain significance for Hereditary cancer-predisposing syndrome. Last evaluated: 2023-03-20. Review status: criteria provided, single submitter. Criteria: Ambry Variant Classification Scheme 2023. Collection method: clinical testing. Allele origin: germline.
Comment: The p.E167G variant (also known as c.500A>G), located in coding exon 4 of the POLD1 gene, results from an A to G substitution at nucleotide position 500. The glutamic acid at codon 167 is replaced by glycine, an amino acid with similar properties. This amino acid position is conserved. In addition, this alteration is predicted to be tolerated by in silico analysis. Since supporting evidence is limited at this time, the clinical significance of this alteration remains unclear.

Labcorp Genetics (formerly Invitae), Labcorp
Classification: Uncertain significance for POLD1-related polyposis and colorectal cancer syndrome. Last evaluated: 2022-05-02. Review status: criteria provided, single submitter. Criteria: Invitae Variant Classification Sherloc (09022015). Collection method: clinical testing. Allele origin: germline.
Comment: This variant is not present in population databases (gnomAD no frequency). This sequence change replaces glutamic acid, which is acidic and polar, with glycine, which is neutral and non-polar, at codon 167 of the POLD1 protein (p.Glu167Gly). This variant has not been reported in the literature in individuals affected with POLD1-related conditions. In summary, the available evidence is currently insufficient to determine the role of this variant in disease. Therefore, it has been classified as a Variant of Uncertain Significance. Algorithms developed to predict the effect of missense changes on protein structure and function (SIFT, PolyPhen-2, Align-GVGD) all suggest that this variant is likely to be tolerated.